The following is an entry in ClinVar:

ClinVar aggregate classification (germline): Conflicting classifications of pathogenicity. Review status: criteria provided, conflicting classifications (1 of 4 stars). 2 submissions from 2 submitters: Uncertain significance (1); Likely benign (1). Last evaluated 2022-07-26.

Conditions:
Developmental and epileptic encephalopathy, 42 (DEE42A). Also called: DEVELOPMENTAL AND EPILEPTIC ENCEPHALOPATHY 42A; EPILEPTIC ENCEPHALOPATHY, EARLY INFANTILE, 42A; Epileptic encephalopathy, early infantile, 42. Identifiers: MedGen C4310716, MONDO:0014917, OMIM 617106.
Episodic ataxia type 2 (EA2). Also called: ACETAZOLAMIDE-RESPONSIVE HEREDITARY PAROXYSMAL CEREBELLAR ATAXIA; ATAXIA, EPISODIC, WITH NYSTAGMUS; ATAXIA, FAMILIAL PAROXYSMAL; CEREBELLAR ATAXIA, PAROXYSMAL, ACETAZOLAMIDE-RESPONSIVE; CEREBELLOPATHY, HEREDITARY PAROXYSMAL; EPISODIC ATAXIA, NYSTAGMUS-ASSOCIATED. Identifiers: Orphanet 97, MedGen C1720416, MONDO:0007163, OMIM 108500.

Allele frequency attached by ClinVar (database versions not stated): gnomAD 0.00002; gnomAD exomes 0.00001; TOPMed below 0.00001.
gnomAD v4.1: 16 of 1,565,030 alleles (0.001%); highest among the groups gnomAD compares: Non-Finnish European, 0.0014%; no homozygotes.

Submissions (2):

GeneDx
Classification: Likely benign. Last evaluated: 2022-07-26. Review status: criteria provided, single submitter. Criteria: GeneDx Variant Classification Process June 2021. Collection method: clinical testing. Allele origin: germline. Affected: yes.
Comment: See Variant Classification Assertion Criteria.

Labcorp Genetics (formerly Invitae), Labcorp
Classification: Uncertain significance for Developmental and epileptic encephalopathy, 42; Episodic ataxia type 2. Last evaluated: 2022-05-17. Review status: criteria provided, single submitter. Criteria: Invitae Variant Classification Sherloc (09022015). Collection method: clinical testing. Allele origin: germline.
Comment: Advanced modeling of protein sequence and biophysical properties (such as structural, functional, and spatial information, amino acid conservation, physicochemical variation, residue mobility, and thermodynamic stability) performed at Invitae indicates that this missense variant is not expected to disrupt CACNA1A protein function. ClinVar contains an entry for this variant (Variation ID: 864748). This variant has not been reported in the literature in individuals affected with CACNA1A-related conditions. The frequency data for this variant in the population databases is considered unreliable, as metrics indicate poor data quality at this position in the gnomAD database. This sequence change replaces asparagine, which is neutral and polar, with aspartic acid, which is acidic and polar, at codon 2112 of the CACNA1A protein (p.Asn2112Asp). In summary, the available evidence is currently insufficient to determine the role of this variant in disease. Therefore, it has been classified as a Variant of Uncertain Significance.

NM_001127222.2(CACNA1A):c.6331A>G (p.Asn2111Asp)

Gene: CACNA1A (calcium voltage-gated channel subunit alpha1 A; minus strand). Cytogenetic location: 19p13.13.
Variant type: single nucleotide variant.
Coding change: c.6331A>G on transcript NM_001127222.2 (MANE Select); coding-DNA position 6331, A replaced by G.
Protein change: p.Asn2111Asp; replaces asparagine 2111 with aspartic acid.
Molecular consequence: missense variant.
Genome position (GRCh38, 1-based): chr19:13,210,625, T>C on the plus strand (A>G on the coding strand, the complement: CACNA1A is on the minus strand). VCF-style: chr19-13210625-T-C. GRCh37 (hg19) VCF-style: chr19-13321439-T-C.
Other names: c.6349A>G, p.Asn2117Asp (NM_000068.4, NM_023035.3); c.6334A>G, p.Asn2112Asp (NM_001127221.2); c.6340A>G, p.Asn2114Asp (NM_001174080.2); short protein forms N2117D, N2111D, N2112D, N2114D.
Identifiers: ClinVar variation 864748 (VCV000864748.11), dbSNP rs1162464868, ClinGen allele CA404331287.